The following is an entry in ClinVar:

ClinVar aggregate classification (germline): Uncertain significance (1 of 4 stars; one submission).

gnomAD v4.1: 2 of 1,614,214 alleles (0.00012%); highest among the groups gnomAD compares: Non-Finnish European, 0.00017%; no homozygotes.

Submission:

Mayo Clinic Laboratories, Mayo Clinic
Classification: Uncertain significance. Last evaluated: 2024-09-10. Review status: criteria provided, single submitter. Criteria: ACMG Guidelines, 2015. Collection method: clinical testing. Allele origin: germline. Observed: 1 variant allele.
Comment: BP4, PM2

NM_005051.3(QARS1):c.2164G>T (p.Val722Leu)

Gene: QARS1 (glutaminyl-tRNA synthetase 1; minus strand). Cytogenetic location: 3p21.31.
Variant type: single nucleotide variant.
Coding change: c.2164G>T on transcript NM_005051.3 (MANE Select); coding-DNA position 2164, G replaced by T.
Protein change: p.Val722Leu; replaces valine 722 with leucine.
Molecular consequence: missense variant. On other transcripts: non-coding transcript variant (1).
Genome position (GRCh38, 1-based): chr3:49,098,105, C>A on the plus strand (G>T on the coding strand, the complement: QARS1 is on the minus strand). VCF-style: chr3-49098105-C-A. GRCh37 (hg19) VCF-style: chr3-49135538-C-A.
Other names: p.Val722Leu; c.2131G>T, p.Val711Leu (NM_001272073.2); short protein forms V711L, V722L.
Identifiers: ClinVar variation 3379466 (VCV003379466.1).